The following is an entry in ClinVar:

ClinVar aggregate classification (germline): Pathogenic (1 of 4 stars; one submission).

Submission:

Labcorp Genetics (formerly Invitae), Labcorp
Classification: Pathogenic. Last evaluated: 2025-01-26. Review status: criteria provided, single submitter. Criteria: Invitae Variant Classification Sherloc (09022015). Collection method: clinical testing. Allele origin: germline.
Comment: This sequence change creates a premature translational stop signal (p.Leu570Cysfs*41) in the POLE gene. It is expected to result in an absent or disrupted protein product. Loss-of-function variants in POLE are known to be pathogenic (PMID: 23230001, 25948378, 30503519). This variant is present in population databases (no rsID available, gnomAD 0.0009%). This variant has not been reported in the literature in individuals affected with POLE-related conditions. ClinVar contains an entry for this variant (Variation ID: 2847181). Algorithms developed to predict the effect of sequence changes on RNA splicing suggest that this variant may create or strengthen a splice site. For these reasons, this variant has been classified as Pathogenic.

Literature cited by the submitters: PubMed 23230001; PubMed 25948378; PubMed 30503519.

NM_006231.4(POLE):c.1708del (p.Leu570fs)

Gene: POLE (DNA polymerase epsilon, catalytic subunit; minus strand). Cytogenetic location: 12q24.33.
Variant type: Deletion.
Coding change: c.1708del on transcript NM_006231.4 (MANE Select); coding-DNA position 1708, one base deleted (C; older notation c.1708delC).
Protein change: p.Leu570fs; shifts the reading frame from leucine 570.
Molecular consequence: frameshift variant.
Genome position (GRCh38, 1-based): chr12:132,672,301, G deleted on the plus strand (C on the coding strand, the reverse complement: POLE is on the minus strand); the first of 2 consecutive G bases (chr12:132,672,301-132,672,302); deleting either gives the same sequence. VCF-style (leftmost placement, unchanged base first): chr12-132672300-AG-A. GRCh37 (hg19) VCF-style: chr12-133248886-AG-A.
Other names: short protein forms L570fs.
Identifiers: ClinVar variation 2847181 (VCV002847181.3), dbSNP rs1300489768, ClinGen allele CA608514276.